The following is an entry in ClinVar:

NM_001042492.3(NF1):c.6121G>T (p.Gly2041Ter)

Gene: NF1 (neurofibromin 1; plus strand). Cytogenetic location: 17q11.2.
Variant type: single nucleotide variant.
Coding change: c.6121G>T on transcript NM_001042492.3 (MANE Select); coding-DNA position 6121, G replaced by T.
Protein change: p.Gly2041Ter; replaces glycine 2041 with a stop codon.
Molecular consequence: nonsense.
Genome position (GRCh38, 1-based): chr17:31,336,447, G>T. VCF-style: chr17-31336447-G-T. GRCh37 (hg19) VCF-style: chr17-29663465-G-T.
Other names: c.6058G>T, p.Gly2020Ter (NM_000267.4); short protein forms G2020*, G2041*.
Identifiers: ClinVar variation 2114076 (VCV002114076.4), dbSNP rs1555534616, ClinGen allele CA399011456.

ClinVar aggregate classification (germline): Pathogenic (1 of 4 stars; one submission).

Conditions:
Neurofibromatosis, type 1 (NF1). Also called: NEUROFIBROMATOSIS, TYPE I, SOMATIC; Neurofibromatosis, type I; Peripheral type neurofibromatosis; VON RECKLINGHAUSEN DISEASE. Identifiers: Orphanet 636, MedGen C0027831, MONDO:0018975, OMIM 162200. Disease mechanism: loss of function.

Submission:

Labcorp Genetics (formerly Invitae), Labcorp
Classification: Pathogenic for Neurofibromatosis, type 1. Last evaluated: 2022-03-19. Review status: criteria provided, single submitter. Criteria: Invitae Variant Classification Sherloc (09022015). Collection method: clinical testing. Allele origin: germline.
Comment: This variant is not present in population databases (gnomAD no frequency). This variant has not been reported in the literature in individuals affected with NF1-related conditions. This sequence change creates a premature translational stop signal (p.Gly2020*) in the NF1 gene. It is expected to result in an absent or disrupted protein product. Loss-of-function variants in NF1 are known to be pathogenic (PMID: 10712197, 23913538). For these reasons, this variant has been classified as Pathogenic.

Literature cited by the submitters: PubMed 10712197; PubMed 23913538.